The following is an entry in ClinVar:

ClinVar aggregate classification (germline): Uncertain significance. Review status: criteria provided, multiple submitters, no conflicts (2 of 4 stars). 2 submissions from 2 submitters: Uncertain significance (2). Last evaluated 2023-11-10.

Conditions:
Hereditary spastic paraplegia 3A (SPG3A). Also called: SPASTIC PARAPLEGIA 3, AUTOSOMAL DOMINANT; FAMILIAL SPASTIC PARAPLEGIA, AUTOSOMAL DOMINANT, 1; SPG3; STRUMPELL DISEASE; Spastic Paraplegia 3A; Spastic paraplegia 3A, autosomal dominant. Identifiers: Orphanet 100984, MedGen C2931355, MONDO:0008437, OMIM 182600.

Submissions (2):

3billion
Classification: Uncertain significance for Hereditary spastic paraplegia 3A. Last evaluated: 2023-11-10. Review status: criteria provided, single submitter. Criteria: ACMG Guidelines, 2015. Collection method: clinical testing. Allele origin: germline. Affected: yes.
Comment: The variant is not observed in the gnomAD v2.1.1 dataset. Predicted Consequence/Location: Missense changes are a common disease-causing mechanism. In silico tool predictions suggest damaging effect of the variant on gene or gene product [REVEL: 0.49 (>=0.6, sensitivity 0.68 and specificity 0.92); 3Cnet: 0.99 (>=0.6, sensitivity 0.72 and precision 0.9)]. A different missense change at the same codon (p.His256Asp) has been reported to be associated with ATL1 related disorder (ClinVar ID: VCV001203526). However, the evidence of pathogenicity is insufficient at this time. Therefore, this variant is classified as VUS according to the recommendation of ACMG/AMP guideline.

Kariminejad - Najmabadi Pathology & Genetics Center
Classification: Uncertain significance. Last evaluated: 2016-10-27. Review status: criteria provided, single submitter. Criteria: ACMG Guidelines, 2015. Collection method: clinical testing. Allele origin: germline. Inheritance: Autosomal dominant inheritance. Affected: yes.
Comment: PM1,PM2,PP3

NM_015915.5(ATL1):c.766C>A (p.His256Asn)

Gene: ATL1 (atlastin GTPase 1; plus strand). Cytogenetic location: 14q22.1.
Variant type: single nucleotide variant.
Coding change: c.766C>A on transcript NM_015915.5 (MANE Select); coding-DNA position 766, C replaced by A.
Protein change: p.His256Asn; replaces histidine 256 with asparagine.
Molecular consequence: missense variant.
Genome position (GRCh38, 1-based): chr14:50,614,415, C>A. VCF-style: chr14-50614415-C-A. GRCh37 (hg19) VCF-style: chr14-51081133-C-A.
Other names: c.766C>A, p.His256Asn (NM_001127713.1, NM_181598.4); short protein forms H256N.
Identifiers: ClinVar variation 3775481 (VCV003775481.2).